The following is an entry in ClinVar:

NM_145239.3(PRRT2):c.434G>C (p.Arg145Pro)

Genes: MVP-DT (MVP divergent transcript; minus strand), PRRT2 (proline rich transmembrane protein 2; plus strand). Cytogenetic location: 16p11.2.
Variant type: single nucleotide variant.
Coding change: c.434G>C on transcript NM_145239.3 (MANE Select); coding-DNA position 434, G replaced by C.
Protein change: p.Arg145Pro; replaces arginine 145 with proline.
Molecular consequence: missense variant.
Genome position (GRCh38, 1-based): chr16:29,813,488, G>C. VCF-style: chr16-29813488-G-C. GRCh37 (hg19) VCF-style: chr16-29824809-G-C.
Other names: c.434G>C, p.Arg145Pro (NM_001256442.2, NM_001256443.2, NM_001438120.1 and 2 more transcripts); short protein forms R145P.
Identifiers: ClinVar variation 4754828 (VCV004754828.1).
Genomic context (GRCh38, chr16:29,813,488, plus strand): 5'-GGCTGGAGTCTGCAGCCCCACCTGAACCAGCCCCAGAGCCTGCTCCCCAACCAGACCCCC[G>C]GCCAGATTCCCAGCCTACCCCCAAGCCAGCCCTTCAACCAGAGCTCCCTACCCAGGAGGA-3'
Protein context (NP_660282.2, residues 135-155): APEPAPQPDP[Arg145Pro]PDSQPTPKPA

ClinVar aggregate classification (germline): Uncertain significance (1 of 4 stars; one submission).

Conditions:
Episodic kinesigenic dyskinesia (EKD). Also called: Paroxysmal kinesigenic dyskinesia. Identifiers: Orphanet 98809, MedGen C1868682, MONDO:0044202.

gnomAD v4.1: 2 of 1,613,140 alleles (0.00012%); highest among the groups gnomAD compares: East Asian, 0.0022%; no homozygotes.

Submission:

Labcorp Genetics (formerly Invitae), Labcorp
Classification: Uncertain significance for Episodic kinesigenic dyskinesia. Last evaluated: 2025-09-27. Review status: criteria provided, single submitter. Criteria: Invitae Variant Classification Sherloc (09022015). Collection method: clinical testing. Allele origin: germline.
Comment: This sequence change replaces arginine, which is basic and polar, with proline, which is neutral and non-polar, at codon 145 of the PRRT2 protein (p.Arg145Pro). This variant is not present in population databases (gnomAD no frequency). This variant has not been reported in the literature in individuals affected with PRRT2-related conditions. Invitae Evidence Modeling of protein sequence and biophysical properties (such as structural, functional, and spatial information, amino acid conservation, physicochemical variation, residue mobility, and thermodynamic stability) indicates that this missense variant is not expected to disrupt PRRT2 protein function with a negative predictive value of 95%. In summary, the available evidence is currently insufficient to determine the role of this variant in disease. Therefore, it has been classified as a Variant of Uncertain Significance.